The following is an entry in ClinVar:

NC_000009.11:g.(?_130586573)_(130616761_?)del

Gene: ENG (endoglin; minus strand). Cytogenetic location: 9q34.11.
Variant type: Deletion.
Identifiers: ClinVar variation 3245080 (VCV003245080.1).

ClinVar aggregate classification (germline): Pathogenic (1 of 4 stars; one submission).

Conditions:
Hereditary hemorrhagic telangiectasia (HHT). Also called: ORW DISEASE; Osler Weber Rendu syndrome; OSLER-RENDU-WEBER DISEASE; Osler hemorrhagic telangiectasia syndrome. Identifiers: Orphanet 774, MedGen C0039445, MONDO:0019180. Disease mechanism: loss of function.

Submission:

Labcorp Genetics (formerly Invitae), Labcorp
Classification: Pathogenic for Hereditary hemorrhagic telangiectasia. Last evaluated: 2023-04-12. Review status: criteria provided, single submitter. Criteria: Invitae Variant Classification Sherloc (09022015). Collection method: clinical testing. Allele origin: unknown.
Comment: For these reasons, this variant has been classified as Pathogenic. This variant has not been reported in the literature in individuals affected with ENG-related conditions. This variant is a gross deletion of the genomic region encompassing exon(s) 1-8 of the ENG gene, which includes the initiator codon. This deletion extends beyond the assayed region for this gene and therefore may encompass additional genes. It is expected to result in an absent or disrupted protein product. Loss-of-function variants in ENG are known to be pathogenic (PMID: 15879500).

Literature cited by the submitters: PubMed 15879500.